The following is an entry in ClinVar:

ClinVar aggregate classification (germline): Uncertain significance. Review status: criteria provided, multiple submitters, no conflicts (2 of 4 stars). 2 submissions from 2 submitters: Uncertain significance (2). Last evaluated 2024-03-14.

Conditions:
Cataract 41 (CTRCT41). Also called: CATARACT 41, CONGENITAL NUCLEAR TYPE. Identifiers: Orphanet 91492, Orphanet 98991, Orphanet 98992, Orphanet 98995, MedGen C3805412, MONDO:0007287, OMIM 116400.
Autosomal dominant nonsyndromic hearing loss 6 (LFSNHL). Also called: DEAFNESS, AUTOSOMAL DOMINANT 6; DEAFNESS, AUTOSOMAL DOMINANT 14; DEAFNESS, AUTOSOMAL DOMINANT 38; Autosomal dominant nonsyndromic deafness 6. Identifiers: Orphanet 90635, MedGen C1833021, MONDO:0010963, OMIM 600965.
Wolfram-like syndrome. Also called: HEARING LOSS, PROGRESSIVE, WITH OPTIC ATROPHY AND/OR IMPAIRED GLUCOSE REGULATION. Identifiers: Orphanet 411590, MedGen C3280358, MONDO:0013673, OMIM 614296.
Type 2 diabetes mellitus. Also called: Type II diabetes mellitus. Identifiers: MedGen C0011860, MeSH D003924, MONDO:0005148, OMIM 125853, HP:0005978.
Wolfram syndrome 1 (WFS1). Identifiers: Orphanet 3463, MedGen C4551693, MONDO:0009101, OMIM 222300.

Submissions (2):

Fulgent Genetics
Classification: Uncertain significance for Cataract 41; Type 2 diabetes mellitus; Wolfram syndrome 1; Autosomal dominant nonsyndromic hearing loss 6; Wolfram-like syndrome. Last evaluated: 2024-03-14. Review status: criteria provided, single submitter. Criteria: ACMG Guidelines, 2015. Collection method: clinical testing. Allele origin: germline.

Labcorp Genetics (formerly Invitae), Labcorp
Classification: Uncertain significance. Last evaluated: 2020-09-11. Review status: criteria provided, single submitter. Criteria: Invitae Variant Classification Sherloc (09022015). Collection method: clinical testing. Allele origin: germline.
Comment: In summary, the available evidence is currently insufficient to determine the role of this variant in disease. Therefore, it has been classified as a Variant of Uncertain Significance. Advanced modeling of protein sequence and biophysical properties (such as structural, functional, and spatial information, amino acid conservation, physicochemical variation, residue mobility, and thermodynamic stability) performed at Invitae indicates that this missense variant is not expected to disrupt WFS1 protein function. This variant has not been reported in the literature in individuals with WFS1-related conditions. This variant is not present in population databases (ExAC no frequency). This sequence change replaces isoleucine with methionine at codon 828 of the WFS1 protein (p.Ile828Met). The isoleucine residue is moderately conserved and there is a small physicochemical difference between isoleucine and methionine.

NM_006005.3(WFS1):c.2484C>G (p.Ile828Met)

Gene: WFS1 (wolframin ER transmembrane glycoprotein; plus strand). Cytogenetic location: 4p16.1.
Variant type: single nucleotide variant.
Coding change: c.2484C>G on transcript NM_006005.3 (MANE Select); coding-DNA position 2484, C replaced by G.
Protein change: p.Ile828Met; replaces isoleucine 828 with methionine.
Molecular consequence: missense variant.
Genome position (GRCh38, 1-based): chr4:6,302,279, C>G. VCF-style: chr4-6302279-C-G. GRCh37 (hg19) VCF-style: chr4-6304006-C-G.
Other names: c.2484C>G, p.Ile828Met (NM_001145853.1); short protein forms I828M.
Identifiers: ClinVar variation 1001196 (VCV001001196.9), dbSNP rs779957380, ClinGen allele CA356178677.
Genomic context (GRCh38, chr4:6,302,279, plus strand): 5'-CGAGTTCAAGAGCGTGCTGCTCAGCCTGCGCCAGGGCAGCCTCATCGAGTTCAGCACCAT[C>G]CTGGAGGGCCGCCTGGGCAGCAAGTGGCCTGTCTTCGAGCTCAAGGCCATCAGCTGCCTC-3'
Protein context (NP_005996.2, residues 818-838): RQGSLIEFST[Ile828Met]LEGRLGSKWP